The following is an entry in ClinVar:

NM_000474.4(TWIST1):c.109C>T (p.Arg37Cys)

Gene: TWIST1 (twist family bHLH transcription factor 1; minus strand). Cytogenetic location: 7p21.1.
Variant type: single nucleotide variant.
Coding change: c.109C>T on transcript NM_000474.4 (MANE Select); coding-DNA position 109, C replaced by T.
Protein change: p.Arg37Cys; replaces arginine 37 with cysteine.
Molecular consequence: missense variant. On other transcripts: non-coding transcript variant (1).
Genome position (GRCh38, 1-based): chr7:19,117,213, G>A on the plus strand (C>T on the coding strand, the complement: TWIST1 is on the minus strand). VCF-style: chr7-19117213-G-A. GRCh37 (hg19) VCF-style: chr7-19156836-G-A.
Other names: short protein forms R37C.
Identifiers: ClinVar variation 1803300 (VCV001803300.1), dbSNP rs2486051641, ClinGen allele CA367016124.

ClinVar aggregate classification (germline): Uncertain significance (1 of 4 stars; one submission).

Submission:

GeneDx
Classification: Uncertain significance. Last evaluated: 2022-06-07. Review status: criteria provided, single submitter. Criteria: GeneDx Variant Classification Process June 2021. Collection method: clinical testing. Allele origin: germline. Affected: yes.
Comment: Not observed at significant frequency in large population cohorts (gnomAD); In silico analysis supports that this missense variant has a deleterious effect on protein structure/function; Has not been previously published as pathogenic or benign to our knowledge